The following is an entry in ClinVar:

NM_002878.4(RAD51D):c.343C>T (p.Gln115Ter)

Genes: RAD51D (RAD51 paralog D; minus strand), RAD51L3-RFFL (RAD51L3-RFFL readthrough; minus strand). Cytogenetic location: 17q12.
Variant type: single nucleotide variant.
Coding change: c.343C>T on transcript NM_002878.4 (MANE Select); coding-DNA position 343, C replaced by T.
Protein change: p.Gln115Ter; replaces glutamine 115 with a stop codon.
Molecular consequence: nonsense. On other transcripts: non-coding transcript variant (2), intron variant (1).
Genome position (GRCh38, 1-based): chr17:35,107,368, G>A on the plus strand (C>T on the coding strand, the complement: RAD51D is on the minus strand). VCF-style: chr17-35107368-G-A. GRCh37 (hg19) VCF-style: chr17-33434387-G-A.
Other names: c.403C>T, p.Gln135Ter (NM_001142571.2); c.145-887C>T (NM_133629.3); short protein forms Q115*, Q135*.
Identifiers: ClinVar variation 472599 (VCV000472599.17), dbSNP rs1555568473, ClinGen allele CA399089884.

ClinVar aggregate classification (germline): Pathogenic. Review status: criteria provided, multiple submitters, no conflicts (2 of 4 stars). 5 submissions from 5 submitters: Pathogenic (5). Last evaluated 2025-09-30.

Conditions:
Breast-ovarian cancer, familial, susceptibility to, 4. Identifiers: Orphanet 145, MedGen C3280345, MONDO:0013669, OMIM 614291.
Hereditary cancer-predisposing syndrome. Also called: Neoplastic Syndromes, Hereditary; Tumor predisposition; Hereditary Cancer Syndrome; Hereditary neoplastic syndrome. Identifiers: Orphanet 140162, MedGen C0027672, MeSH D009386, MONDO:0015356.

Submissions (5):

Labcorp Genetics (formerly Invitae), Labcorp
Classification: Pathogenic for Breast-ovarian cancer, familial, susceptibility to, 4. Last evaluated: 2025-09-30. Review status: criteria provided, single submitter. Criteria: Invitae Variant Classification Sherloc (09022015). Collection method: clinical testing. Allele origin: germline.
Comment: This sequence change creates a premature translational stop signal (p.Gln115*) in the RAD51D gene. It is expected to result in an absent or disrupted protein product. Loss-of-function variants in RAD51D are known to be pathogenic (PMID: 21822267). This variant is not present in population databases (gnomAD no frequency). This variant has not been reported in the literature in individuals affected with RAD51D-related conditions. ClinVar contains an entry for this variant (Variation ID: 472599). Algorithms developed to predict the effect of sequence changes on RNA splicing suggest that this variant may disrupt the consensus splice site. For these reasons, this variant has been classified as Pathogenic.

Ambry Genetics
Classification: Pathogenic for Hereditary cancer-predisposing syndrome. Last evaluated: 2024-08-28. Review status: criteria provided, single submitter. Criteria: Ambry Variant Classification Scheme 2023. Collection method: clinical testing. Allele origin: germline.
Comment: The p.Q115* pathogenic mutation (also known as c.343C>T), located in coding exon 4 of the RAD51D gene, results from a C to T substitution at nucleotide position 343. This changes the amino acid from a glutamine to a stop codon within coding exon 4. This alteration is expected to result in loss of function by premature protein truncation or nonsense-mediated mRNA decay. As such, this alteration is interpreted as a disease-causing mutation.

Myriad Genetics, Inc.
Classification: Pathogenic for Breast-ovarian cancer, familial, susceptibility to, 4. Last evaluated: 2024-01-04. Review status: criteria provided, single submitter. Criteria: Myriad Autosomal Dominant, Autosomal Recessive and X-Linked Classification Criteria (2023). Collection method: clinical testing. Allele origin: unknown.
Comment: This variant is considered pathogenic. This variant creates a termination codon and is predicted to result in premature protein truncation.

Color Diagnostics, LLC DBA Color Health
Classification: Pathogenic for Hereditary cancer-predisposing syndrome. Last evaluated: 2023-01-09. Review status: criteria provided, single submitter. Criteria: ACMG Guidelines, 2015. Collection method: clinical testing. Allele origin: germline.
Comment: This missense variant replaces glutamine with a premature translation stop signal. This variant is expected to result in an absent or non-functional protein product. In addition, this variant has been shown to affect splicing in a mini-gene assay and in a breast cancer cell line, resulting in multiple abnormal transcripts including out-of-frame deletion of exon 4 or exons 4-5, as well as in-frame deletion of exons 3-5 that encode a functionally important ATPase domain (PMID: 34200360). This variant has not been identified in the general population by the Genome Aggregation Database (gnomAD). Loss of RAD51D function is a known mechanism of disease. Based on the available evidence, this variant is classified as Pathogenic.

Sema4
Classification: Pathogenic for Hereditary cancer-predisposing syndrome. Last evaluated: 2022-01-25. Review status: criteria provided, single submitter. Criteria: Sema4 Curation Guidelines. Collection method: curation. Allele origin: germline.
Comment: The RAD51D c.343C>T (p.Q115*) variant has been reported in heterozygosity in at least 2 individuals with breast cancer (PMID: 33901219). It has been reported in a large case-control study of breast cancer in 2/60466 cases and 1/53461 controls (PMID: 33471991). This nonsense variant creates a premature stop codon at residue 115 of the RAD51D gene. At this location, this variant is predicted to cause loss of normal protein function either through protein truncation or nonsense-mediated mRNA decay. Loss of function of the RAD51D gene is an established disease mechanism (PMID: 21822267). Functional study suggests that this variant leads to decreased amounts of the full length RAD51D transcript and increased amounts of aberant transcripts compared to wildtype (PMID: 34200360). This variant was not observed in the large and broad cohorts of the Genome Aggregation Database (PMID: 32461654). This variant has been reported in ClinVar (Variation ID: 472599). Based on the current evidence available, this variant is interpreted as pathogenic.

Literature cited by the submitters: PubMed 21822267 (cited by Labcorp Genetics (formerly Invitae), Labcorp and Sema4); PubMed 34200360 (cited by Color Diagnostics, LLC DBA Color Health and Sema4); PubMed 33901219 (cited by Sema4); PubMed 33471991 (cited by Sema4).